The following is an entry in ClinVar:

NM_199420.4(POLQ):c.5823G>C (p.Leu1941Phe)

Gene: POLQ (DNA polymerase theta; minus strand). Cytogenetic location: 3q13.33.
Variant type: single nucleotide variant.
Coding change: c.5823G>C on transcript NM_199420.4 (MANE Select); coding-DNA position 5823, G replaced by C.
Protein change: p.Leu1941Phe; replaces leucine 1941 with phenylalanine.
Molecular consequence: missense variant.
Genome position (GRCh38, 1-based): chr3:121,483,533, C>G on the plus strand (G>C on the coding strand, the complement: POLQ is on the minus strand). VCF-style: chr3-121483533-C-G. GRCh37 (hg19) VCF-style: chr3-121202380-C-G.
Other names: short protein forms L1941F.
Identifiers: ClinVar variation 3230075 (VCV003230075.1), dbSNP rs2047987124, ClinGen allele CA354088722.

ClinVar aggregate classification (germline): Uncertain significance (1 of 4 stars; one submission).

Allele frequency attached by ClinVar (database versions not stated): gnomAD exomes below 0.00001.
gnomAD v4.1: 3 of 1,585,550 alleles (0.00019%); highest among the groups gnomAD compares: Non-Finnish European, 0.00026%; no homozygotes.

Submission:

Ambry Genetics
Classification: Uncertain significance. Last evaluated: 2023-09-23. Review status: criteria provided, single submitter. Criteria: Ambry Variant Classification Scheme 2023. Collection method: clinical testing. Allele origin: germline.
Comment: The p.L1941F variant (also known as c.5823G>C), located in coding exon 18 of the POLQ gene, results from a G to C substitution at nucleotide position 5823. The leucine at codon 1941 is replaced by phenylalanine, an amino acid with highly similar properties. This amino acid position is conserved. In addition, this alteration is predicted to be tolerated by in silico analysis. Since supporting evidence is limited at this time, the clinical significance of this alteration remains unclear.